The following is an entry in ClinVar:

NM_020822.3(KCNT1):c.122C>G (p.Ala41Gly)

Gene: KCNT1 (potassium sodium-activated channel subfamily T member 1; plus strand). Cytogenetic location: 9q34.3.
Variant type: single nucleotide variant.
Coding change: c.122C>G on transcript NM_020822.3 (MANE Select); coding-DNA position 122, C replaced by G.
Protein change: p.Ala41Gly; replaces alanine 41 with glycine.
Molecular consequence: missense variant. On other transcripts: intron variant (1).
Genome position (GRCh38, 1-based): chr9:135,714,588, C>G. VCF-style: chr9-135714588-C-G. GRCh37 (hg19) VCF-style: chr9-138606434-C-G.
Other names: c.110+12220C>G (NM_001272003.2); short protein forms A41G.
Identifiers: ClinVar variation 4792765 (VCV004792765.1).

ClinVar aggregate classification (germline): Uncertain significance (1 of 4 stars; one submission).

Conditions:
Autosomal dominant nocturnal frontal lobe epilepsy 5. Also called: CILIARY DYSKINESIA, PRIMARY, 28, WITH SITUS INVERSUS; Epilepsy, nocturnal frontal lobe, 5; CILIARY DYSKINESIA, PRIMARY, 28, WITHOUT SITUS INVERSUS; KCNT1-Related Epilepsy. Identifiers: Orphanet 98784, MedGen C3554306, MONDO:0014002, OMIM 615005.
Developmental and epileptic encephalopathy, 14 (DEE14). Also called: Early infantile epileptic encephalopathy 14. Identifiers: Orphanet 293181, MedGen C3554195, MONDO:0013989, OMIM 614959.

Submission:

Labcorp Genetics (formerly Invitae), Labcorp
Classification: Uncertain significance for Autosomal dominant nocturnal frontal lobe epilepsy 5; Developmental and epileptic encephalopathy, 14. Last evaluated: 2025-08-31. Review status: criteria provided, single submitter. Criteria: Invitae Variant Classification Sherloc (09022015). Collection method: clinical testing. Allele origin: germline.
Comment: This sequence change replaces alanine, which is neutral and non-polar, with glycine, which is neutral and non-polar, at codon 41 of the KCNT1 protein (p.Ala41Gly). This variant is not present in population databases (gnomAD no frequency). This variant has not been reported in the literature in individuals affected with KCNT1-related conditions. Invitae Evidence Modeling of protein sequence and biophysical properties (such as structural, functional, and spatial information, amino acid conservation, physicochemical variation, residue mobility, and thermodynamic stability) indicates that this missense variant is not expected to disrupt KCNT1 protein function with a negative predictive value of 95%. In summary, the available evidence is currently insufficient to determine the role of this variant in disease. Therefore, it has been classified as a Variant of Uncertain Significance.